The following is an entry in ClinVar:

NM_000169.3(GLA):c.228G>A (p.Met76Ile)

Genes: GLA (galactosidase alpha; minus strand), RPL36A-HNRNPH2 (RPL36A-HNRNPH2 readthrough; plus strand). Cytogenetic location: Xq22.1.
Variant type: single nucleotide variant.
Coding change: c.228G>A on transcript NM_000169.3 (MANE Select); coding-DNA position 228, G replaced by A.
Protein change: p.Met76Ile; replaces methionine 76 with isoleucine.
Molecular consequence: missense variant. On other transcripts: non-coding transcript variant (3), intron variant (2).
Genome position (GRCh38, 1-based): chrX:101,403,952, C>T on the plus strand (G>A on the coding strand, the complement: GLA is on the minus strand). VCF-style: chrX-101403952-C-T. GRCh37 (hg19) VCF-style: chrX-100658940-C-T.
Other names: c.351G>A, p.Met117Ile (NM_001406747.1, NM_001406749.1); c.228G>A, p.Met76Ile (NM_001406748.1); c.301-7984C>T (NM_001199973.2); c.178-7984C>T (NM_001199974.2); short protein forms M117I, M76I.
Identifiers: ClinVar variation 3075025 (VCV003075025.2), dbSNP rs2520914690, ClinGen allele CA413934308.
Genomic context (GRCh38, chrX:101,403,952, plus strand): 5'-CATCCAACAGTCATCAATGCAGAGGTACTCATAACCTGCATCCTTCCAGCCTTCTGAGAC[C>T]ATGAGCTCTGCCATCTCCATGAAGAGCTTCTCACTGAAAGAGAAATTCCAATAATCATTA-3'
Protein context (NP_000160.1, residues 66-86): EKLFMEMAEL[Met76Ile]VSEGWKDAGY

ClinVar aggregate classification (germline): Uncertain significance. Review status: criteria provided, multiple submitters, no conflicts (2 of 4 stars). 2 submissions from 2 submitters: Uncertain significance (2). Last evaluated 2026-09-08.

Conditions:
Fabry disease. Also called: Angiokeratoma corporis diffusum; Fabry's disease; ALPHA-GALACTOSIDASE A DEFICIENCY; ANDERSON-FABRY DISEASE; CERAMIDE TRIHEXOSIDASE DEFICIENCY; GLA DEFICIENCY. Identifiers: Orphanet 324, MedGen C0002986, MONDO:0010526, OMIM 301500, HP:0001071. Disease mechanism: Fabry disease is due to inactivating mutations in the X-linked GLA gene resulting in deficiency of the enzyme Alpha Galactosidase-A., loss of function.

Submissions (2):

Genomenon, Inc
Classification: Uncertain significance for Fabry disease. Last evaluated: 2026-09-08. Review status: criteria provided, single submitter. Criteria: Genomenon Sequence Variant Interpretation Standards - Updated. Collection method: curation. Allele origin: germline. Affected: yes.
Comment: GLA p.Met76Ile (c.228G>A) is a missense variant that changes the amino acid at codon 76 from Methionine to Isoleucine. This variant has been observed in at least one proband with clinical features consistent with Fabry disease (PMID:27356758). It is absent or not present at a significant frequency in gnomAD. In silico models predict that this variant is possibly or probably damaging. In conclusion, we classify GLA p.Met76Ile (c.228G>A) as a variant of uncertain significance.

All of Us Research Program, National Institutes of Health
Classification: Uncertain significance for Fabry disease. Last evaluated: 2023-12-13. Review status: criteria provided, single submitter. Criteria: ACMG Guidelines, 2015. Collection method: clinical testing. Allele origin: germline. Inheritance: X-linked inheritance. Observed: 1 variant allele, 1 heterozygote.
Comment: This missense variant replaces methionine with isoleucine at codon 76 of the GLA protein. Computational prediction tools indicate that this variant has a deleterious impact on protein structure and function. To our knowledge, functional studies have not been reported for this variant. This variant has not been identified in the general population by the Genome Aggregation Database (gnomAD). The available evidence is insufficient to determine the role of this variant in disease conclusively. Therefore, this variant is classified as a Variant of Uncertain Significance.

This study involves interpretation of variants in research participants for the purpose of population health screening. Participant phenotype was not available at the time of variant classification. Additional details can be found in publication PMID: 35346344, PMCID: PMC8962531

Literature cited by the submitters: PubMed 27356758 (cited by Genomenon, Inc and All of Us Research Program, National Institutes of Health).